The following is an entry in ClinVar:

ClinVar aggregate classification (germline): Uncertain significance. Review status: criteria provided, multiple submitters, no conflicts (2 of 4 stars). 4 submissions from 4 submitters: Uncertain significance (4). Last evaluated 2026-07-01.

Conditions:
TTN-related disorder. Also called: TTN-related condition; TTN-related disease; TTN-related disorders.
Dilated cardiomyopathy 1G (CMD1G). Identifiers: Orphanet 154, MedGen C1858763, MONDO:0011400, OMIM 604145.
Autosomal recessive limb-girdle muscular dystrophy type 2J (LGMDR10). Also called: Limb-girdle muscular dystrophy, type 2J; MUSCULAR DYSTROPHY, LIMB-GIRDLE, AUTOSOMAL RECESSIVE 10. Identifiers: Orphanet 140922, MedGen C1837342, MONDO:0012127, OMIM 608807.

Allele frequency attached by ClinVar (database versions not stated): gnomAD exomes below 0.00001 and 0.00001; ExAC 0.00001; gnomAD 0.00001; TOPMed 0.00002.

Submissions (4):

PreventionGenetics, part of Exact Sciences
Classification: Uncertain significance for TTN-related condition. Last evaluated: 2026-07-01. Review status: criteria provided, single submitter. Criteria: ACMG Guidelines, 2015. Collection method: clinical testing. Allele origin: germline.
Comment: The TTN c.85649T>A variant is predicted to result in the amino acid substitution p.Val28550Asp. This variant has been reported in an individual within a left ventricular non-compaction cohort (Supplementary Table 2, Mazzarotto et al. 2021. PubMed ID: 33500567). This variant is reported in 0.019% of alleles in individuals of African descent in gnomAD. At this time, the clinical significance of this variant is uncertain due to the absence of conclusive functional and genetic evidence.

Women's Health and Genetics/Laboratory Corporation of America, LabCorp
Classification: Uncertain significance. Last evaluated: 2026-06-17. Review status: criteria provided, single submitter. Criteria: LabCorp Variant Classification Summary - May 2015. Collection method: clinical testing. Allele origin: germline.
Comment: Variant summary: TTN c.77945T>A (p.Val25982Asp) results in a non-conservative amino acid change in the encoded protein sequence. Algorithms developed to predict the effect of missense changes on protein structure and function are either unavailable or do not agree on the potential impact of this missense change. The variant allele was found at a frequency of 1.2e-05 in 247756 control chromosomes. The available data on variant occurrences in the general population are insufficient to allow any conclusion about variant significance. To our knowledge, no occurrence of c.77945T>A in individuals affected with TTN-related conditions and no experimental evidence demonstrating its impact on protein function have been reported. ClinVar contains an entry for this variant (Variation ID: 179884). Based on the evidence outlined above, the variant was classified as uncertain significance.

Labcorp Genetics (formerly Invitae), Labcorp
Classification: Uncertain significance for Dilated cardiomyopathy 1G; Autosomal recessive limb-girdle muscular dystrophy type 2J. Last evaluated: 2016-05-22. Review status: criteria provided, single submitter. Criteria: Invitae Variant Classification Sherloc (09022015). Collection method: clinical testing. Allele origin: germline.

Laboratory for Molecular Medicine, Mass General Brigham Personalized Medicine
Classification: Uncertain significance. Last evaluated: 2014-07-14. Review status: criteria provided, single submitter. Criteria: LMM Criteria. Collection method: clinical testing. Allele origin: germline. Observed: 1 variant allele.
Comment: The Val25982Asp variant in TTN has not been previously reported in individuals w ith cardiomyopathy or in large population studies. Computational prediction tool s and conservation analysis do not provide strong support for or against an impa ct to the protein. In summary, the clinical significance of the Val25982Asp vari ant is uncertain.

NM_001267550.2(TTN):c.85649T>A (p.Val28550Asp)

Genes: TTN (titin; minus strand), TTN-AS1 (TTN antisense RNA 1; plus strand). Cytogenetic location: 2q31.2.
Variant type: single nucleotide variant.
Coding change: c.85649T>A on transcript NM_001267550.2 (MANE Select); coding-DNA position 85649, T replaced by A.
Protein change: p.Val28550Asp; replaces valine 28550 with aspartic acid.
Molecular consequence: missense variant.
Genome position (GRCh38, 1-based): chr2:178,560,483, A>T on the plus strand (T>A on the coding strand, the complement: TTN is on the minus strand). VCF-style: chr2-178560483-A-T. GRCh37 (hg19) VCF-style: chr2-179425210-A-T.
Other names: c.77945T>A, p.Val25982Asp (NM_133378.4); c.80726T>A, p.Val26909Asp (NM_001256850.1); c.58454T>A, p.Val19485Asp (NM_003319.4); c.58829T>A, p.Val19610Asp (NM_133432.3); c.59030T>A, p.Val19677Asp (NM_133437.4); short protein forms V25982D, V28550D, V19610D, V19485D, V19677D, V26909D.
Identifiers: ClinVar variation 179884 (VCV000179884.9), dbSNP rs727505194, ClinGen allele CA185341.